The following is an entry in ClinVar:

ClinVar aggregate classification (germline): Uncertain significance (1 of 4 stars; one submission).

Submission:

CeGaT Center for Human Genetics Tuebingen
Classification: Uncertain significance. Last evaluated: 2026-05-01. Review status: criteria provided, single submitter. Criteria: CeGaT Center For Human Genetics Tuebingen Variant Classification Criteria Version 2. Collection method: clinical testing. Allele origin: germline. Affected: yes. Observed: 1 variant allele.
Comment: AGL: PM2, BP4

NM_000642.3(AGL):c.82+1552C>G

Gene: AGL (amylo-alpha-1,6-glucosidase and 4-alpha-glucanotransferase; plus strand). Cytogenetic location: 1p21.2.
Variant type: single nucleotide variant.
Coding change: c.82+1552C>G on transcript NM_000642.3 (MANE Select); 1552 bases into the intron after coding-DNA position 82, C replaced by G.
Molecular consequence: intron variant. On other transcripts: missense variant (1).
Genome position (GRCh38, 1-based): chr1:99,852,676, C>G. VCF-style: chr1-99852676-C-G. GRCh37 (hg19) VCF-style: chr1-100318232-C-G.
Other names: c.7C>G, p.Pro3Ala (NM_000646.3); c.82+1552C>G (NM_000643.3, NM_000644.3, NM_001425326.1 and 6 more transcripts); short protein forms P3A.
Identifiers: ClinVar variation 4875137 (VCV004875137.2).